The following is an entry in ClinVar:

ClinVar aggregate classification (germline): Uncertain significance (1 of 4 stars; one submission).

Conditions:
Ullrich congenital muscular dystrophy 2 (UCMD2). Identifiers: Orphanet 75840, MedGen C4225314, MONDO:0014654, OMIM 616470.
Bethlem myopathy 2 (BTHLM2). Identifiers: Orphanet 536516, Orphanet 610, MedGen C4225313, MONDO:0034022, OMIM 616471.

Submission:

Labcorp Genetics (formerly Invitae), Labcorp
Classification: Uncertain significance for Bethlem myopathy 2; Ullrich congenital muscular dystrophy 2. Last evaluated: 2025-05-13. Review status: criteria provided, single submitter. Criteria: Invitae Variant Classification Sherloc (09022015). Collection method: clinical testing. Allele origin: germline.
Comment: This variant, c.1118_1120del, results in the deletion of 1 amino acid(s) of the COL12A1 protein (p.Ala373del), but otherwise preserves the integrity of the reading frame. This variant is not present in population databases (gnomAD no frequency). This variant has not been reported in the literature in individuals affected with COL12A1-related conditions. Experimental studies and prediction algorithms are not available or were not evaluated, and the functional significance of this variant is currently unknown. In summary, the available evidence is currently insufficient to determine the role of this variant in disease. Therefore, it has been classified as a Variant of Uncertain Significance.

NM_004370.6(COL12A1):c.1118_1120del (p.Ala373del)

Gene: COL12A1 (collagen type XII alpha 1 chain; minus strand). Cytogenetic location: 6q13.
Variant type: Deletion.
Coding change: c.1118_1120del on transcript NM_004370.6 (MANE Select); coding-DNA positions 1118 to 1120, 3 bases deleted (CAG; older notation c.1118_1120delCAG).
Protein change: p.Ala373del; deletes alanine 373.
Molecular consequence: intron variant (on NM_001424116.1).
Genome position (GRCh38, 1-based): chr6:75,184,022-75,184,024, CTG deleted on the plus strand (CAG on the coding strand, the reverse complement: COL12A1 is on the minus strand); deleting any 3 consecutive bases within chr6:75,184,022-75,184,025 gives the same sequence; the c. name uses the placement nearest the transcript's 3' end. VCF-style (leftmost placement, unchanged base first): chr6-75184021-CCTG-C. GRCh37 (hg19) VCF-style: chr6-75893737-CCTG-C.
Other names: c.1118_1120del, p.Ala373del (NM_001424113.1, NM_001424114.1, NM_001424115.1); c.73+18696_73+18698del (NM_001424116.1, NM_080645.3); short protein forms A373del.
Identifiers: ClinVar variation 4788522 (VCV004788522.1).